The following is an entry in ClinVar:

ClinVar aggregate classification (germline): Uncertain significance (1 of 4 stars; one submission).

Submission:

GeneDx
Classification: Uncertain significance. Last evaluated: 2021-06-04. Review status: criteria provided, single submitter. Criteria: GeneDx Variant Classification Process June 2021. Collection method: clinical testing. Allele origin: germline. Affected: yes.
Comment: Has not been previously published as pathogenic or benign to our knowledge; Not observed at significant frequency in large population cohorts (Lek et al., 2016); In silico analysis supports that this missense variant has a deleterious effect on protein structure/function; This variant is associated with the following publications: (PMID: 27535533)

NM_005996.4(TBX3):c.385G>A (p.Gly129Arg)

Genes: TBX3 (T-box transcription factor 3; minus strand), TBX3-AS1 (TBX3 antisense RNA 1; plus strand). Cytogenetic location: 12q24.21.
Variant type: single nucleotide variant.
Coding change: c.385G>A on transcript NM_005996.4 (MANE Select); coding-DNA position 385, G replaced by A.
Protein change: p.Gly129Arg; replaces glycine 129 with arginine.
Molecular consequence: missense variant.
Genome position (GRCh38, 1-based): chr12:114,682,816, C>T on the plus strand (G>A on the coding strand, the complement: TBX3 is on the minus strand). VCF-style: chr12-114682816-C-T. GRCh37 (hg19) VCF-style: chr12-115120621-C-T.
Other names: c.385G>A, p.Gly129Arg (NM_016569.4); short protein forms G129R.
Identifiers: ClinVar variation 1328732 (VCV001328732.2), dbSNP rs2121158090, ClinGen allele CA386872591.